The following is an entry in ClinVar:

ClinVar aggregate classification (germline): Benign (1 of 4 stars; one submission).

Allele frequency attached by ClinVar (database versions not stated): gnomAD 0.02741 and 0.02913; 1000 Genomes Project 0.02835; TOPMed 0.03050; 1000 Genomes Project 30x 0.03061.
gnomAD v4.1: 4,128 of 152,256 alleles (2.7%); highest among the groups gnomAD compares: African/African-American, 9.5%; 195 homozygotes.

Submission:

GeneDx
Classification: Benign. Last evaluated: 2018-06-19. Review status: criteria provided, single submitter. Criteria: GeneDx Variant Classification (06012015). Collection method: clinical testing. Allele origin: germline. Affected: yes.
Comment: This variant is considered likely benign or benign based on one or more of the following criteria: it is a conservative change, it occurs at a poorly conserved position in the protein, it is predicted to be benign by multiple in silico algorithms, and/or has population frequency not consistent with disease.

NM_001244710.2(GFPT1):c.409-315G>T

Gene: GFPT1 (glutamine--fructose-6-phosphate transaminase 1; minus strand). Cytogenetic location: 2p13.3.
Variant type: single nucleotide variant.
Coding change: c.409-315G>T on transcript NM_001244710.2 (MANE Select); 315 bases into the intron before coding-DNA position 409, G replaced by T.
Molecular consequence: intron variant.
Genome position (GRCh38, 1-based): chr2:69,358,778, C>A on the plus strand (G>T on the coding strand, the complement: GFPT1 is on the minus strand). VCF-style: chr2-69358778-C-A. GRCh37 (hg19) VCF-style: chr2-69585910-C-A.
Other names: c.409-315G>T (NM_002056.4).
Identifiers: ClinVar variation 674004 (VCV000674004.1), dbSNP rs116751403, ClinGen allele CA49528653.